The following is an entry in ClinVar:

ClinVar aggregate classification (germline): Likely benign (1 of 4 stars; one submission).

Allele frequency attached by ClinVar (database versions not stated): TOPMed below 0.00001; gnomAD exomes 0.00001.
gnomAD v4.1: 14 of 1,613,774 alleles (0.00087%); highest among the groups gnomAD compares: Non-Finnish European, 0.0012%; no homozygotes.

Submission:

GeneDx
Classification: Likely benign. Last evaluated: 2017-09-14. Review status: criteria provided, single submitter. Criteria: GeneDx Variant Classification (06012015). Collection method: clinical testing. Allele origin: germline. Affected: yes.
Comment: This variant is considered likely benign or benign based on one or more of the following criteria: it is a conservative change, it occurs at a poorly conserved position in the protein, it is predicted to be benign by multiple in silico algorithms, and/or has population frequency not consistent with disease.

NM_001267550.2(TTN):c.27524C>G (p.Thr9175Arg)

Gene: TTN (titin; minus strand). Cytogenetic location: 2q31.2.
Variant type: single nucleotide variant.
Coding change: c.27524C>G on transcript NM_001267550.2 (MANE Select); coding-DNA position 27524, C replaced by G.
Protein change: p.Thr9175Arg; replaces threonine 9175 with arginine.
Molecular consequence: missense variant. On other transcripts: intron variant (3).
Genome position (GRCh38, 1-based): chr2:178,712,398, G>C on the plus strand (C>G on the coding strand, the complement: TTN is on the minus strand). VCF-style: chr2-178712398-G-C. GRCh37 (hg19) VCF-style: chr2-179577125-G-C.
Other names: c.26573C>G, p.Thr8858Arg (NM_001256850.1); c.23792C>G, p.Thr7931Arg (NM_133378.4); c.13282+25684C>G (NM_003319.4); c.13858+25684C>G (NM_133437.4); c.13657+25684C>G (NM_133432.3); short protein forms T8858R, T9175R, T7931R.
Identifiers: ClinVar variation 512169 (VCV000512169.1), dbSNP rs1438488035, ClinGen allele CA349451752.